The following is an entry in ClinVar:

ClinVar aggregate classification (germline): Uncertain significance (1 of 4 stars; one submission).

Conditions:
Aicardi-Goutieres syndrome 6 (AGS6). Identifiers: Orphanet 51, MedGen C3539013, MONDO:0014007, OMIM 615010.
Symmetrical dyschromatosis of extremities (DSH). Also called: Dyschromatosis symmetrica hereditaria; DYSCHROMATOSIS SYMMETRICA HEREDITARIA 1; RETICULATE ACROPIGMENTATION OF DOHI; SYMMETRIC DYSCHROMATOSIS OF THE EXTREMITIES. Identifiers: Orphanet 41, MedGen C0406775, MONDO:0007483, OMIM 127400.

Submission:

Labcorp Genetics (formerly Invitae), Labcorp
Classification: Uncertain significance for Aicardi-Goutieres syndrome 6; Symmetrical dyschromatosis of extremities. Last evaluated: 2025-11-25. Review status: criteria provided, single submitter. Criteria: Invitae Variant Classification Sherloc (09022015). Collection method: clinical testing. Allele origin: germline.
Comment: This sequence change replaces aspartic acid, which is acidic and polar, with asparagine, which is neutral and polar, at codon 1135 of the ADAR protein (p.Asp1135Asn). This variant is not present in population databases (gnomAD no frequency). This variant has not been reported in the literature in individuals affected with ADAR-related conditions. Invitae Evidence Modeling of protein sequence and biophysical properties (such as structural, functional, and spatial information, amino acid conservation, physicochemical variation, residue mobility, and thermodynamic stability) indicates that this missense variant is not expected to disrupt ADAR protein function with a negative predictive value of 80%. In summary, the available evidence is currently insufficient to determine the role of this variant in disease. Therefore, it has been classified as a Variant of Uncertain Significance.

NM_001111.5(ADAR):c.3403G>A (p.Asp1135Asn)

Gene: ADAR (adenosine deaminase RNA specific; minus strand). Cytogenetic location: 1q21.3.
Variant type: single nucleotide variant.
Coding change: c.3403G>A on transcript NM_001111.5 (MANE Select); coding-DNA position 3403, G replaced by A.
Protein change: p.Asp1135Asn; replaces aspartic acid 1135 with asparagine.
Molecular consequence: missense variant.
Genome position (GRCh38, 1-based): chr1:154,585,257, C>T on the plus strand (G>A on the coding strand, the complement: ADAR is on the minus strand). VCF-style: chr1-154585257-C-T. GRCh37 (hg19) VCF-style: chr1-154557733-C-T.
Other names: c.2518G>A, p.Asp840Asn (NM_001025107.3, NM_001193495.2, NM_001365046.1 and 2 more transcripts); c.3430G>A, p.Asp1144Asn (NM_001365045.1); c.2440G>A, p.Asp814Asn (NM_001365049.1); c.3325G>A, p.Asp1109Asn (NM_015840.4); c.3268G>A, p.Asp1090Asn (NM_015841.4); short protein forms D840N, D1090N, D1144N, D814N, D1109N, D1135N.
Identifiers: ClinVar variation 4783236 (VCV004783236.1).